The following is an entry in ClinVar:

ClinVar aggregate classification (germline): Uncertain significance. Review status: criteria provided, multiple submitters, no conflicts (2 of 4 stars). 3 submissions from 3 submitters: Uncertain significance (2). 1 of the submissions does not count toward it. Last evaluated 2021-11-08.

Conditions:
NBAS-related disorder. Also called: NBAS-related condition.
Inborn genetic diseases. Identifiers: MedGen C0950123, MeSH D030342.

Allele frequency attached by ClinVar (database versions not stated): gnomAD 0.00002; gnomAD exomes 0.00001; ExAC 0.00002; TOPMed 0.00002.
gnomAD v4.1: 11 of 1,613,806 alleles (0.00068%); highest among the groups gnomAD compares: South Asian, 0.0033%; no homozygotes.

Submissions (3):

Labcorp Genetics (formerly Invitae), Labcorp
Classification: Uncertain significance. Last evaluated: 2021-11-08. Review status: criteria provided, single submitter. Criteria: Invitae Variant Classification Sherloc (09022015). Collection method: clinical testing. Allele origin: germline.
Comment: This sequence change replaces glycine, which is neutral and non-polar, with aspartic acid, which is acidic and polar, at codon 2056 of the NBAS protein (p.Gly2056Asp). This variant is present in population databases (rs748141735, gnomAD 0.002%). This variant has not been reported in the literature in individuals affected with NBAS-related conditions. Algorithms developed to predict the effect of missense changes on protein structure and function are either unavailable or do not agree on the potential impact of this missense change (SIFT: "Deleterious"; PolyPhen-2: "Benign"; Align-GVGD: "Class C65"). In summary, the available evidence is currently insufficient to determine the role of this variant in disease. Therefore, it has been classified as a Variant of Uncertain Significance.

Ambry Genetics
Classification: Uncertain significance for Inborn genetic diseases. Last evaluated: 2021-08-12. Review status: criteria provided, single submitter. Criteria: Ambry Variant Classification Scheme 2023. Collection method: clinical testing. Allele origin: germline.

PreventionGenetics, part of Exact Sciences
Classification: Uncertain significance for NBAS-related condition. Last evaluated: 2024-03-01. Review status: no assertion criteria provided. Collection method: clinical testing. Allele origin: germline. Not counted in ClinVar's aggregate classification.
Comment: The NBAS c.6167G>A variant is predicted to result in the amino acid substitution p.Gly2056Asp. To our knowledge, this variant has not been reported in the literature. This variant is reported in 0.00088% of alleles in individuals of European (Non-Finnish) descent in gnomAD. At this time, the clinical significance of this variant is uncertain due to the absence of conclusive functional and genetic evidence.

NM_015909.4(NBAS):c.6167G>A (p.Gly2056Asp)

Gene: NBAS (NBAS subunit of NRZ tethering complex; minus strand). Cytogenetic location: 2p24.3.
Variant type: single nucleotide variant.
Coding change: c.6167G>A on transcript NM_015909.4 (MANE Select); coding-DNA position 6167, G replaced by A.
Protein change: p.Gly2056Asp; replaces glycine 2056 with aspartic acid.
Molecular consequence: missense variant. On other transcripts: non-coding transcript variant (1).
Genome position (GRCh38, 1-based): chr2:15,232,491, C>T on the plus strand (G>A on the coding strand, the complement: NBAS is on the minus strand). VCF-style: chr2-15232491-C-T. GRCh37 (hg19) VCF-style: chr2-15372615-C-T.
Other names: c.6167G>A (NM_015909.2, NM_015909.3); short protein forms G2056D.
Identifiers: ClinVar variation 1449902 (VCV001449902.6), dbSNP rs748141735, ClinGen allele CA1535093.